The following is an entry in ClinVar:

ClinVar aggregate classification (germline): Benign/Likely benign. Review status: criteria provided, multiple submitters, no conflicts (2 of 4 stars). 5 submissions from 5 submitters: Benign (1); Likely benign (4). Last evaluated 2026-09-01.

Conditions:
CHD7-related disorder. Also called: CHD7-related condition.
Inborn genetic diseases. Identifiers: MedGen C0950123, MeSH D030342.
CHARGE syndrome (CHARGE). Also called: Hittner Hirsch Kreh syndrome; CHARGE ASSOCIATION--COLOBOMA, HEART ANOMALY, CHOANAL ATRESIA, RETARDATION, GENITAL AND EAR ANOMALIES; Coloboma, heart anomaly, choanal atresia, retardation, genital and ear anomalies; CHARGE association; Hall-Hittner syndrome. Identifiers: Orphanet 138, MedGen C0265354, MONDO:0008965.

Allele frequency attached by ClinVar (database versions not stated): gnomAD 0.00003; gnomAD exomes 0.00003 and 0.00016; TOPMed 0.00005; ExAC 0.00012.
gnomAD v4.1: 44 of 1,613,312 alleles (0.0027%); highest among the groups gnomAD compares: Admixed American, 0.073%; no homozygotes.

Submissions (5):

CeGaT Center for Human Genetics Tuebingen
Classification: Likely benign. Last evaluated: 2026-09-01. Review status: criteria provided, single submitter. Criteria: CeGaT Center For Human Genetics Tuebingen Variant Classification Criteria Version 2. Collection method: clinical testing. Allele origin: germline. Affected: yes. Observed: 3 variant alleles.
Comment: CHD7: BP4

Labcorp Genetics (formerly Invitae), Labcorp
Classification: Likely benign for CHARGE syndrome. Last evaluated: 2026-01-11. Review status: criteria provided, single submitter. Criteria: Invitae Variant Classification Sherloc (09022015). Collection method: clinical testing. Allele origin: germline.

Ambry Genetics
Classification: Likely benign for Inborn genetic diseases. Last evaluated: 2025-05-05. Review status: criteria provided, single submitter. Criteria: Ambry Variant Classification Scheme 2023. Collection method: clinical testing. Allele origin: germline.

PreventionGenetics, part of Exact Sciences
Classification: Likely benign for CHD7-related condition. Last evaluated: 2024-10-16. Review status: criteria provided, single submitter. Criteria: ACMG Guidelines, 2015. Collection method: clinical testing. Allele origin: germline.
Comment: This variant is classified as likely benign based on ACMG/AMP sequence variant interpretation guidelines (Richards et al. 2015 PMID: 25741868, with internal and published modifications).

GeneDx
Classification: Benign. Last evaluated: 2021-02-26. Review status: criteria provided, single submitter. Criteria: GeneDx Variant Classification Process June 2021. Collection method: clinical testing. Allele origin: germline. Affected: yes.
Comment: This variant is associated with the following publications: (PMID: 28475860)

NM_017780.4(CHD7):c.6529G>A (p.Glu2177Lys)

Gene: CHD7 (chromodomain helicase DNA binding protein 7; plus strand). Cytogenetic location: 8q12.2.
Variant type: single nucleotide variant.
Coding change: c.6529G>A on transcript NM_017780.4 (MANE Select); coding-DNA position 6529, G replaced by A.
Protein change: p.Glu2177Lys; replaces glutamic acid 2177 with lysine.
Molecular consequence: missense variant. On other transcripts: intron variant (1).
Genome position (GRCh38, 1-based): chr8:60,853,254, G>A. VCF-style: chr8-60853254-G-A. GRCh37 (hg19) VCF-style: chr8-61765813-G-A.
Other names: c.1717-8975G>A (NM_001316690.1); short protein forms E2177K.
Identifiers: ClinVar variation 800156 (VCV000800156.16), dbSNP rs750047137, ClinGen allele CA4760604.
Genomic context (GRCh38, chr8:60,853,254, plus strand): 5'-ATCTCATCTGCTCATATTCAAGATGAGAGGGTACTGGAACAAGCCGAAGGCAAAGTGGAG[G>A]AGCCTGAAAACCCAGCTGCCAAGGAGAAATGTGAGGGCAAAGAAGAGGAAGAAGAAACCG-3'
Protein context (NP_060250.2, residues 2167-2187): VLEQAEGKVE[Glu2177Lys]PENPAAKEKC